The following is an entry in ClinVar:

NM_001142800.2(EYS):c.1766+1G>A

Gene: EYS (EGF-like photoreceptor maintenance factor; minus strand). Cytogenetic location: 6q12.
Variant type: single nucleotide variant.
Coding change: c.1766+1G>A on transcript NM_001142800.2 (MANE Select); the canonical splice donor site of the intron after coding-DNA position 1766, G replaced by A.
Molecular consequence: splice donor variant. On other transcripts: synonymous variant (1).
Genome position (GRCh38, 1-based): chr6:65,334,979, C>T on the plus strand (G>A on the coding strand, the complement: EYS is on the minus strand). VCF-style: chr6-65334979-C-T. GRCh37 (hg19) VCF-style: chr6-66044872-C-T.
Other names: c.1767G>A, p.Arg589= (NM_198283.2); c.1766+1G>A (NM_001292009.2, NM_001142801.2).
Identifiers: ClinVar variation 2068362 (VCV002068362.6), dbSNP rs776204925, ClinGen allele CA364660900.

ClinVar aggregate classification (germline): Likely pathogenic. Review status: criteria provided, multiple submitters, no conflicts (2 of 4 stars). 2 submissions from 2 submitters: Likely pathogenic (2). Last evaluated 2023-12-13.

Conditions:
Retinitis pigmentosa 25 (RP25). Identifiers: Orphanet 791, MedGen C1864446, MONDO:0011272, OMIM 602772.

Submissions (2):

Baylor Genetics
Classification: Likely pathogenic for Retinitis pigmentosa 25. Last evaluated: 2023-12-13. Review status: criteria provided, single submitter. Criteria: ACMG Guidelines, 2015. Collection method: clinical testing. Allele origin: unknown.

Labcorp Genetics (formerly Invitae), Labcorp
Classification: Likely pathogenic. Last evaluated: 2022-01-11. Review status: criteria provided, single submitter. Criteria: Invitae Variant Classification Sherloc (09022015). Collection method: clinical testing. Allele origin: germline.
Comment: This variant is not present in population databases (gnomAD no frequency). In summary, the currently available evidence indicates that the variant is pathogenic, but additional data are needed to prove that conclusively. Therefore, this variant has been classified as Likely Pathogenic. Algorithms developed to predict the effect of sequence changes on RNA splicing suggest that this variant may disrupt the consensus splice site. This variant has not been reported in the literature in individuals affected with EYS-related conditions. This sequence change affects a donor splice site in intron 11 of the EYS gene. It is expected to disrupt RNA splicing. Variants that disrupt the donor or acceptor splice site typically lead to a loss of protein function (PMID: 16199547), and loss-of-function variants in EYS are known to be pathogenic (PMID: 18836446, 20333770).

Literature cited by the submitters: PubMed 16199547 (cited by Labcorp Genetics (formerly Invitae), Labcorp); PubMed 18836446 (cited by Labcorp Genetics (formerly Invitae), Labcorp); PubMed 20333770 (cited by Labcorp Genetics (formerly Invitae), Labcorp).